The following is an entry in ClinVar:

ClinVar aggregate classification (germline): Uncertain significance (1 of 4 stars; one submission).

Conditions:
Autosomal dominant limb-girdle muscular dystrophy type 1D (DNAJB6) (LGMDD1). Also called: MUSCULAR DYSTROPHY, LIMB-GIRDLE, TYPE 1D; MUSCULAR DYSTROPHY, AUTOSOMAL DOMINANT, WITH RIMMED VACUOLES; Autosomal dominant limb-girdle muscular dystrophy type 1D; Muscular dystrophy, limb-girdle, autosomal dominant 1. Identifiers: Orphanet 34516, MedGen C4721885, MONDO:0021018, OMIM 603511.

gnomAD v4.1: 1 of 1,613,848 alleles (0.000062%); highest among the groups gnomAD compares: Non-Finnish European, 0.000085%; no homozygotes.

Submission:

Labcorp Genetics (formerly Invitae), Labcorp
Classification: Uncertain significance for Autosomal dominant limb-girdle muscular dystrophy type 1D (DNAJB6). Last evaluated: 2025-01-24. Review status: criteria provided, single submitter. Criteria: Invitae Variant Classification Sherloc (09022015). Collection method: clinical testing. Allele origin: germline.
Comment: This sequence change replaces arginine, which is basic and polar, with serine, which is neutral and polar, at codon 215 of the DNAJB6 protein (p.Arg215Ser). This variant is not present in population databases (gnomAD no frequency). This variant has not been reported in the literature in individuals affected with DNAJB6-related conditions. Invitae Evidence Modeling of protein sequence and biophysical properties (such as structural, functional, and spatial information, amino acid conservation, physicochemical variation, residue mobility, and thermodynamic stability) indicates that this missense variant is expected to disrupt DNAJB6 protein function with a positive predictive value of 80%. In summary, the available evidence is currently insufficient to determine the role of this variant in disease. Therefore, it has been classified as a Variant of Uncertain Significance.

NM_058246.4(DNAJB6):c.645A>T (p.Arg215Ser)

Gene: DNAJB6 (DnaJ heat shock protein family (Hsp40) member B6; plus strand). Cytogenetic location: 7q36.3.
Variant type: single nucleotide variant.
Coding change: c.645A>T on transcript NM_058246.4 (MANE Select); coding-DNA position 645, A replaced by T.
Protein change: p.Arg215Ser; replaces arginine 215 with serine.
Molecular consequence: missense variant. On other transcripts: intron variant (1).
Genome position (GRCh38, 1-based): chr7:157,385,565, A>T. VCF-style: chr7-157385565-A-T. GRCh37 (hg19) VCF-style: chr7-157178259-A-T.
Other names: c.645A>T, p.Arg215Ser (NM_005494.3); c.346+18082A>T (NM_001363676.1); short protein forms R215S.
Identifiers: ClinVar variation 3678344 (VCV003678344.2).